The following is an entry in ClinVar:

NM_000052.7(ATP7A):c.1070C>T (p.Ser357Phe)

Gene: ATP7A (ATPase copper transporting alpha; plus strand). Cytogenetic location: Xq21.1.
Variant type: single nucleotide variant.
Coding change: c.1070C>T on transcript NM_000052.7 (MANE Select); coding-DNA position 1070, C replaced by T.
Protein change: p.Ser357Phe; replaces serine 357 with phenylalanine.
Molecular consequence: missense variant.
Genome position (GRCh38, 1-based): chrX:77,989,692, C>T. VCF-style: chrX-77989692-C-T. GRCh37 (hg19) VCF-style: chrX-77245188-C-T.
Other names: c.1070C>T, p.Ser357Phe (NM_001282224.2); short protein forms S357F.
Identifiers: ClinVar variation 1992787 (VCV001992787.1), dbSNP rs2522294528, ClinGen allele CA413601749.

ClinVar aggregate classification (germline): Uncertain significance (1 of 4 stars; one submission).

Conditions:
Menkes kinky-hair syndrome (MNK). Also called: Copper transport disease; Menkes Disease; Classic Menkes Disease. Identifiers: Orphanet 565, MedGen C0022716, MONDO:0010651, OMIM 309400.
Cutis laxa, X-linked (OHS). Also called: EDS IX; Occipital horn syndrome. Identifiers: Orphanet 198, MedGen C0268353, MONDO:0010572, OMIM 304150.
X-linked distal spinal muscular atrophy type 3. Also called: ATP7A-Related Distal Motor Neuropathy; SPINAL MUSCULAR ATROPHY, DISTAL, X-LINKED RECESSIVE; NEURONOPATHY, DISTAL HEREDITARY MOTOR, X-LINKED; NEUROPATHY, DISTAL HEREDITARY MOTOR, X-LINKED. Identifiers: Orphanet 139557, MedGen C1845359, MONDO:0010338, OMIM 300489.

Submission:

Labcorp Genetics (formerly Invitae), Labcorp
Classification: Uncertain significance for X-linked distal spinal muscular atrophy type 3; Cutis laxa, X-linked; Menkes kinky-hair syndrome. Last evaluated: 2022-05-10. Review status: criteria provided, single submitter. Criteria: Invitae Variant Classification Sherloc (09022015). Collection method: clinical testing. Allele origin: germline.
Comment: This sequence change replaces serine, which is neutral and polar, with phenylalanine, which is neutral and non-polar, at codon 357 of the ATP7A protein (p.Ser357Phe). This variant is not present in population databases (gnomAD no frequency). This variant has not been reported in the literature in individuals affected with ATP7A-related conditions. Advanced modeling of protein sequence and biophysical properties (such as structural, functional, and spatial information, amino acid conservation, physicochemical variation, residue mobility, and thermodynamic stability) performed at Invitae indicates that this missense variant is not expected to disrupt ATP7A protein function. In summary, the available evidence is currently insufficient to determine the role of this variant in disease. Therefore, it has been classified as a Variant of Uncertain Significance.